The following is an entry in ClinVar:

NM_001372051.1(CASP8):c.306-1971A>G

Gene: CASP8 (caspase 8; plus strand). Cytogenetic location: 2q33.1.
Variant type: single nucleotide variant.
Coding change: c.306-1971A>G on transcript NM_001372051.1 (MANE Select); 1971 bases into the intron before coding-DNA position 306, A replaced by G.
Molecular consequence: intron variant. On other transcripts: missense variant (1).
Genome position (GRCh38, 1-based): chr2:201,269,545, A>G. VCF-style: chr2-201269545-A-G. GRCh37 (hg19) VCF-style: chr2-202134268-A-G.
Other names: c.-227-1971A>G (NM_001400751.1, NM_001400677.1, NM_001400750.1 and 6 more transcripts); c.341A>G, p.Asn114Ser (NM_001228.5); c.306-1971A>G (NM_001400651.1, NM_001400663.1, NM_001400657.1 and 20 more transcripts); c.-4-1971A>G (NM_001400669.1); c.-306-1971A>G (NM_001400680.1); c.483-1971A>G (NM_001080125.2, NM_001400642.1, NM_001400665.1); c.-408-1971A>G (NM_001400674.1); short protein forms N114S.
Identifiers: ClinVar variation 573566 (VCV000573566.10), dbSNP rs1559354162, ClinGen allele CA350283972.

ClinVar aggregate classification (germline): Uncertain significance. Review status: criteria provided, multiple submitters, no conflicts (2 of 4 stars). 2 submissions from 2 submitters: Uncertain significance (2). Last evaluated 2024-03-20.

Conditions:
Autoimmune lymphoproliferative syndrome type 2B. Also called: AUTOIMMUNE LYMPHOPROLIFERATIVE SYNDROME, TYPE IIB. Identifiers: Orphanet 275517, MedGen C1846545, MONDO:0011804, OMIM 607271.
Inborn genetic diseases. Identifiers: MedGen C0950123, MeSH D030342.

Allele frequency attached by ClinVar (database versions not stated): TOPMed below 0.00001.

Submissions (2):

Ambry Genetics
Classification: Uncertain significance for Inborn genetic diseases. Last evaluated: 2024-03-20. Review status: criteria provided, single submitter. Criteria: Ambry Variant Classification Scheme 2023. Collection method: clinical testing. Allele origin: germline.

Labcorp Genetics (formerly Invitae), Labcorp
Classification: Uncertain significance for Autoimmune lymphoproliferative syndrome type 2B. Last evaluated: 2020-04-02. Review status: criteria provided, single submitter. Criteria: Invitae Variant Classification Sherloc (09022015). Collection method: clinical testing. Allele origin: germline.
Comment: In summary, the available evidence is currently insufficient to determine the role of this variant in disease. Therefore, it has been classified as a Variant of Uncertain Significance. Algorithms developed to predict the effect of missense changes on protein structure and function (SIFT, PolyPhen-2, Align-GVGD) all suggest that this variant is likely to be tolerated, but these predictions have not been confirmed by published functional studies and their clinical significance is uncertain. This variant has not been reported in the literature in individuals with CASP8-related disease. This variant is not present in population databases (ExAC no frequency). This sequence change replaces asparagine with serine at codon 114 of the CASP8 protein (p.Asn114Ser). The asparagine residue is weakly conserved and there is a small physicochemical difference between asparagine and serine.